The following is an entry in ClinVar:

ClinVar aggregate classification (germline): Uncertain significance (1 of 4 stars; one submission).

Conditions:
Dyskeratosis congenita, autosomal recessive 5 (DKCB5). Identifiers: MedGen C3554656, MONDO:0014076, OMIM 615190.
Pulmonary fibrosis and/or bone marrow failure, Telomere-related, 3. Also called: PULMONARY FIBROSIS AND/OR BONE MARROW FAILURE SYNDROME, TELOMERE-RELATED, 3. Identifiers: Orphanet 2032, MedGen C4225346, MONDO:0014613, OMIM 616373.

Submission:

Labcorp Genetics (formerly Invitae), Labcorp
Classification: Uncertain significance for Dyskeratosis congenita, autosomal recessive 5; Pulmonary fibrosis and/or bone marrow failure, Telomere-related, 3. Last evaluated: 2020-10-02. Review status: criteria provided, single submitter. Criteria: Invitae Variant Classification Sherloc (09022015). Collection method: clinical testing. Allele origin: germline.
Comment: This sequence change replaces alanine with valine at codon 910 of the RTEL1 protein (p.Ala910Val). The alanine residue is moderately conserved and there is a small physicochemical difference between alanine and valine. This variant is not present in population databases (ExAC no frequency). This variant has not been reported in the literature in individuals with RTEL1-related conditions. Algorithms developed to predict the effect of missense changes on protein structure and function are either unavailable or do not agree on the potential impact of this missense change (SIFT: "Deleterious"; PolyPhen-2: "Benign"; Align-GVGD: "Class C0"). In summary, the available evidence is currently insufficient to determine the role of this variant in disease. Therefore, it has been classified as a Variant of Uncertain Significance.

NM_001283009.2(RTEL1):c.2729C>T (p.Ala910Val)

Genes: RTEL1 (regulator of telomere elongation helicase 1; plus strand), RTEL1-TNFRSF6B (RTEL1-TNFRSF6B readthrough (NMD candidate); plus strand). Cytogenetic location: 20q13.33.
Variant type: single nucleotide variant.
Coding change: c.2729C>T on transcript NM_001283009.2 (MANE Select); coding-DNA position 2729, C replaced by T.
Protein change: p.Ala910Val; replaces alanine 910 with valine.
Molecular consequence: missense variant. On other transcripts: non-coding transcript variant (1).
Genome position (GRCh38, 1-based): chr20:63,692,881, C>T. VCF-style: chr20-63692881-C-T. GRCh37 (hg19) VCF-style: chr20-62324234-C-T.
Other names: c.2060C>T, p.Ala687Val (NM_001283010.1); c.2729C>T, p.Ala910Val (NM_016434.4); c.2801C>T, p.Ala934Val (NM_032957.5); short protein forms A687V, A910V, A934V.
Identifiers: ClinVar variation 2148335 (VCV002148335.1), dbSNP rs2090787316, ClinGen allele CA409682926.